The following is an entry in ClinVar:

NM_014806.5(RUSC2):c.4466G>A (p.Arg1489His)

Gene: RUSC2 (RUN and SH3 domain containing 2; plus strand). Cytogenetic location: 9p13.3.
Variant type: single nucleotide variant.
Coding change: c.4466G>A on transcript NM_014806.5 (MANE Select); coding-DNA position 4466, G replaced by A.
Protein change: p.Arg1489His; replaces arginine 1489 with histidine.
Molecular consequence: missense variant. On other transcripts: non-coding transcript variant (1).
Genome position (GRCh38, 1-based): chr9:35,561,297, G>A. VCF-style: chr9-35561297-G-A. GRCh37 (hg19) VCF-style: chr9-35561294-G-A.
Other names: c.4466G>A, p.Arg1489His (NM_001135999.2); c.1832G>A, p.Arg611His (NM_001330740.2); c.4466G>A (NM_001135999.1); short protein forms R1489H, R611H.
Identifiers: ClinVar variation 1475384 (VCV001475384.8), dbSNP rs777840197, ClinGen allele CA5044414.

ClinVar aggregate classification (germline): Uncertain significance. Review status: criteria provided, multiple submitters, no conflicts (2 of 4 stars). 2 submissions from 2 submitters: Uncertain significance (2). Last evaluated 2025-12-02.

Allele frequency attached by ClinVar (database versions not stated): ExAC 0.00002; gnomAD exomes 0.00004 and 0.00001; gnomAD 0.00001; TOPMed 0.00003.
gnomAD v4.1: 24 of 1,614,124 alleles (0.0015%); highest among the groups gnomAD compares: Middle Eastern, 0.016%; no homozygotes.

Submissions (2):

Ambry Genetics
Classification: Uncertain significance. Last evaluated: 2025-12-02. Review status: criteria provided, single submitter. Criteria: Ambry Variant Classification Scheme 2023. Collection method: clinical testing. Allele origin: germline.

Labcorp Genetics (formerly Invitae), Labcorp
Classification: Uncertain significance. Last evaluated: 2025-01-15. Review status: criteria provided, single submitter. Criteria: Invitae Variant Classification Sherloc (09022015). Collection method: clinical testing. Allele origin: germline.
Comment: This sequence change replaces arginine, which is basic and polar, with histidine, which is basic and polar, at codon 1489 of the RUSC2 protein (p.Arg1489His). This variant is present in population databases (rs777840197, gnomAD 0.01%). This variant has not been reported in the literature in individuals affected with RUSC2-related conditions. ClinVar contains an entry for this variant (Variation ID: 1475384). An algorithm developed to predict the effect of missense changes on protein structure and function outputs the following: PolyPhen-2: "Benign". The histidine amino acid residue is found in multiple mammalian species, which suggests that this missense change does not adversely affect protein function. In summary, the available evidence is currently insufficient to determine the role of this variant in disease. Therefore, it has been classified as a Variant of Uncertain Significance.